The following is an entry in ClinVar:

ClinVar aggregate classification (germline): Likely pathogenic (1 of 4 stars; one submission).

Conditions:
ABCC2-related disorder. Also called: ABCC2-related condition.

Submission:

PreventionGenetics, part of Exact Sciences
Classification: Likely pathogenic for ABCC2-related condition. Last evaluated: 2025-11-07. Review status: criteria provided, single submitter. Criteria: ACMG Guidelines, 2015. Collection method: clinical testing. Allele origin: germline.
Comment: The ABCC2 c.2621-1G>A variant is predicted to disrupt the AG splice acceptor site and interfere with normal splicing. To our knowledge, this variant has not been reported in the literature or in a large population database (gnomAD), indicating this variant is rare. Variants that disrupt the consensus splice acceptor site in ABCC2 are expected to be pathogenic. Loss-of-function variants in the ABCC2 gene are a known mechanism of disease (see for example Wada et al. 1998. PubMed ID: 9425227 and Corpechot et al. 2020. PubMed ID: 31544333). This variant is interpreted as likely pathogenic.

NM_000392.5(ABCC2):c.2621-1G>A

Genes: ABCC2 (ATP binding cassette subfamily C member 2; plus strand), LOC126861012 (BRD4-independent group 4 enhancer GRCh37_chr10:101589748-101590947; plus strand). Cytogenetic location: 10q24.2.
Variant type: single nucleotide variant.
Coding change: c.2621-1G>A on transcript NM_000392.5 (MANE Select); the canonical splice acceptor site of the intron before coding-DNA position 2621, G replaced by A.
Molecular consequence: splice acceptor variant.
Genome position (GRCh38, 1-based): chr10:99,830,306, G>A. VCF-style: chr10-99830306-G-A. GRCh37 (hg19) VCF-style: chr10-101590063-G-A.
Identifiers: ClinVar variation 4979584 (VCV004979584.1).